The following is an entry in ClinVar:

ClinVar aggregate classification (germline): Likely pathogenic (1 of 4 stars; one submission).

Conditions:
Ceroid lipofuscinosis, neuronal, 6A. Also called: Neuronal ceroid lipofuscinosis, late infantile, variant; Neuronal ceroid lipofuscinosis, Gypsy/Indian early juvenile variant; Neuronal ceroid lipofuscinosis 6; CLN6-Related Neuronal Ceroid-Lipofuscinosis. Identifiers: Orphanet 168491, Orphanet 228363, MedGen C5551375, MONDO:0011144, OMIM 601780.

Submission:

Natera, Inc.
Classification: Likely pathogenic for Ceroid lipofuscinosis, neuronal, 6A. Last evaluated: 2025-08-09. Review status: criteria provided, single submitter. Criteria: Natera Variant Classification Schema (03/2026). Collection method: clinical testing. Allele origin: germline.
Comment: The c.209_214delinsACTGCGC variant in CLN6 is a frameshift variant predicted to shift the reading frame beginning at codon 70 and leads to a stop codon 62 codons downstream. This variant is expected to result in nonsense mediated decay, truncation, or a dysfunctional protein product. This variant is rare in the general population with a frequency below the threshold expected for the associated phenotype(s). Given the available evidence, this variant is classified as Likely Pathogenic.

NM_017882.3(CLN6):c.209_214delinsACTGCGC (p.Pro70fs)

Gene: CLN6 (CLN6 transmembrane ER protein; minus strand). Cytogenetic location: 15q23.
Variant type: Indel.
Coding change: c.209_214delinsACTGCGC on transcript NM_017882.3 (MANE Select); coding-DNA positions 209 to 214, CTCTCG replaced by ACTGCGC.
Protein change: p.Pro70fs; shifts the reading frame from proline 70.
Molecular consequence: frameshift variant.
Genome position (GRCh38, 1-based): chr15:68,214,373-68,214,378, CGAGAG replaced by GCGCAGT on the plus strand (CTCTCG replaced by ACTGCGC on the coding strand, the reverse complement: CLN6 is on the minus strand). VCF-style: chr15-68214373-CGAGAG-GCGCAGT. GRCh37 (hg19) VCF-style: chr15-68506711-CGAGAG-GCGCAGT.
Other names: c.305_310delinsACTGCGC, p.Pro102fs (NM_001411068.1); short protein forms P102fs, P70fs.
Identifiers: ClinVar variation 4815914 (VCV004815914.1).